The following is an entry in ClinVar:

NM_005431.2(XRCC2):c.166_167del (p.Glu56fs)

Gene: XRCC2 (X-ray repair cross complementing 2; minus strand). Cytogenetic location: 7q36.1.
Variant type: Deletion.
Coding change: c.166_167del on transcript NM_005431.2 (MANE Select); coding-DNA positions 166 to 167, 2 bases deleted (GA; older notation c.166_167delGA).
Protein change: p.Glu56fs; shifts the reading frame from glutamic acid 56.
Molecular consequence: frameshift variant.
Genome position (GRCh38, 1-based): chr7:152,649,318-152,649,319, TC deleted on the plus strand (GA on the coding strand, the reverse complement: XRCC2 is on the minus strand); deleting any 2 consecutive bases within chr7:152,649,318-152,649,320 gives the same sequence; the c. name uses the placement nearest the transcript's 3' end. VCF-style (leftmost placement, unchanged base first): chr7-152649317-TTC-T. GRCh37 (hg19) VCF-style: chr7-152346402-TTC-T.
Other names: short protein forms E56fs.
Identifiers: ClinVar variation 1777469 (VCV001777469.2), dbSNP rs2485882087, ClinGen allele CA2580077790.

ClinVar aggregate classification (germline): Likely pathogenic (1 of 4 stars; one submission).

Conditions:
Hereditary cancer-predisposing syndrome. Also called: Neoplastic Syndromes, Hereditary; Tumor predisposition; Hereditary Cancer Syndrome; Hereditary neoplastic syndrome. Identifiers: Orphanet 140162, MedGen C0027672, MeSH D009386, MONDO:0015356.

Submission:

Ambry Genetics
Classification: Likely pathogenic for Hereditary cancer-predisposing syndrome. Last evaluated: 2021-08-10. Review status: criteria provided, single submitter. Criteria: Ambry Variant Classification Scheme 2023. Collection method: clinical testing. Allele origin: germline.
Comment: The c.166_167delGA variant, located in coding exon 3 of the XRCC2 gene, results from a deletion of two nucleotides at nucleotide positions 166 to 167, causing a translational frameshift with a predicted alternate stop codon (p.E56Nfs*26). This alteration occurs at the 3' terminus of XRCC2 gene, is not expected to trigger nonsense-mediated mRNA decay, and impacts the last 225 amino acids of the protein. Premature stop codons are typically deleterious in nature and a significant portion of the protein is affected (Ambry internal data). This variant is considered to be rare based on population cohorts in the Genome Aggregation Database (gnomAD). Based on the majority of available evidence to date, this variant is likely to be pathogenic.